The following is an entry in ClinVar:

NM_000059.4(BRCA2):c.6599T>C (p.Phe2200Ser)

Gene: BRCA2 (BRCA2 DNA repair associated; plus strand). Cytogenetic location: 13q13.1.
Variant type: single nucleotide variant.
Coding change: c.6599T>C on transcript NM_000059.4 (MANE Select); coding-DNA position 6599, T replaced by C.
Protein change: p.Phe2200Ser; replaces phenylalanine 2200 with serine.
Molecular consequence: missense variant.
Genome position (GRCh38, 1-based): chr13:32,340,954, T>C. VCF-style: chr13-32340954-T-C. GRCh37 (hg19) VCF-style: chr13-32915091-T-C.
Other names: short protein forms F2200S.
Identifiers: ClinVar variation 433809 (VCV000433809.19), dbSNP rs1372423132, ClinGen allele CA387790079.

ClinVar aggregate classification (germline): Conflicting classifications of pathogenicity. Review status: criteria provided, conflicting classifications (1 of 4 stars). 5 submissions from 5 submitters: Uncertain significance (3); Likely benign (1). 1 of the submissions does not count toward it. Last evaluated 2026-02-01.

Conditions:
Breast-ovarian cancer, familial, susceptibility to, 2 (BROVCA2). Also called: BRCA2 Hereditary Breast and Ovarian Cancer. Identifiers: Orphanet 145, MedGen C2675520, MONDO:0012933, OMIM 612555. Disease mechanism: loss of function.
Hereditary cancer-predisposing syndrome. Also called: Hereditary neoplastic syndrome; Tumor predisposition; Neoplastic Syndromes, Hereditary; Hereditary Cancer Syndrome. Identifiers: Orphanet 140162, MedGen C0027672, MeSH D009386, MONDO:0015356.
Hereditary breast ovarian cancer syndrome. Also called: BRCA1- and BRCA2-Associated Hereditary Breast and Ovarian Cancer; Hereditary breast and/or ovarian cancer syndrome; Hereditary breast and ovarian cancer; Hereditary breast and ovarian cancer syndrome; Hereditary breast and ovarian cancer syndrome (HBOC); Breast and ovarian cancer. Identifiers: Orphanet 145, MedGen C0677776, MeSH D061325, MONDO:0003582. Disease mechanism: loss of function.
Malignant tumor of breast. Also called: Malignant breast neoplasm; Cancer breast. Identifiers: MedGen C0006142, MONDO:0007254. Disease mechanism: loss of function.

Allele frequency attached by ClinVar (database versions not stated): gnomAD exomes below 0.00001.
gnomAD v4.1: 1 of 1,609,282 alleles (0.000062%); highest among the groups gnomAD compares: Admixed American, 0.0017%; no homozygotes.

Submissions (5):

Labcorp Genetics (formerly Invitae), Labcorp
Classification: Uncertain significance for Hereditary breast ovarian cancer syndrome. Last evaluated: 2026-02-01. Review status: criteria provided, single submitter. Criteria: Invitae Variant Classification Sherloc (09022015). Collection method: clinical testing. Allele origin: germline.
Comment: This sequence change replaces phenylalanine, which is neutral and non-polar, with serine, which is neutral and polar, at codon 2200 of the BRCA2 protein (p.Phe2200Ser). This variant is present in population databases (no rsID available, gnomAD 0.003%). This variant has not been reported in the literature in individuals affected with BRCA2-related conditions. ClinVar contains an entry for this variant (Variation ID: 433809). Invitae Evidence Modeling of protein sequence and biophysical properties (such as structural, functional, and spatial information, amino acid conservation, physicochemical variation, residue mobility, and thermodynamic stability) indicates that this missense variant is not expected to disrupt BRCA2 protein function with a negative predictive value of 95%. In summary, the available evidence is currently insufficient to determine the role of this variant in disease. Therefore, it has been classified as a Variant of Uncertain Significance.

Ambry Genetics
Classification: Uncertain significance for Hereditary cancer-predisposing syndrome. Last evaluated: 2025-10-13. Review status: criteria provided, single submitter. Criteria: Ambry Variant Classification Scheme 2023. Collection method: clinical testing. Allele origin: germline.
Comment: The p.F2200S variant (also known as c.6599T>C), located in coding exon 10 of the BRCA2 gene, results from a T to C substitution at nucleotide position 6599. The phenylalanine at codon 2200 is replaced by serine, an amino acid with highly dissimilar properties. This amino acid position is not well conserved in available vertebrate species. In addition, the in silico prediction for this alteration is inconclusive. Since supporting evidence is limited at this time, the clinical significance of this alteration remains unclear.

All of Us Research Program, National Institutes of Health
Classification: Uncertain significance for Breast-ovarian cancer, familial, susceptibility to, 2. Last evaluated: 2023-04-10. Review status: criteria provided, single submitter. Criteria: ACMG Guidelines, 2015. Collection method: clinical testing. Allele origin: germline. Inheritance: Autosomal dominant inheritance. Observed: 1 variant allele, 1 heterozygote.
Comment: This missense variant replaces phenylalanine with serine at codon 2200 of the BRCA2 protein. Computational prediction is inconclusive regarding the impact of this variant on protein structure and function (internally defined REVEL score threshold 0.5 < inconclusive < 0.7, PMID: 27666373). To our knowledge, functional studies have not been reported for this variant. This variant has not been reported in individuals affected with hereditary cancer in the literature. This variant has been identified in 1/245204 chromosomes in the general population by the Genome Aggregation Database (gnomAD). The available evidence is insufficient to determine the role of this variant in disease conclusively. Therefore, this variant is classified as a Variant of Uncertain Significance.

This study involves interpretation of variants in research participants for the purpose of population health screening. Participant phenotype was not available at the time of variant classification. Additional details can be found in publication PMID: 35346344, PMCID: PMC8962531

University of Washington Department of Laboratory Medicine, University of Washington
Classification: Likely benign for Hereditary cancer-predisposing syndrome. Last evaluated: 2023-03-23. Review status: criteria provided, single submitter. Criteria: Dines et al. (Genet Med. 2020). Collection method: curation. Allele origin: germline.
Comment: Missense variant in a coldspot region where missense variants are very unlikely to be pathogenic (PMID:31911673).

BRCA2 exon 11 coldspot. Reclassification based on statistical prior probability.

Department of Pathology and Laboratory Medicine, Sinai Health System
Classification: Uncertain significance for Malignant tumor of breast. Review status: no assertion criteria provided. Collection method: clinical testing. Allele origin: unknown. Affected: yes. Study: The Canadian Open Genetics Repository (COGR). Not counted in ClinVar's aggregate classification.
Comment: The p.Phe2200Ser variant has not been previously identified in the literature. The p.Phe2200 residue is not conserved in mammals or in other species, and computational analyses (PolyPhen, SIFT, AlignGVGD) provide inconsistent predictions regarding the impact to the protein and this information is not very predictive of pathogenicity. In summary, the clinical significance of this variant cannot be determined with certainty at this time. Therefore, this variant is classified as a variant of unknown significance (VUS).